The following is an entry in ClinVar:

ClinVar aggregate classification (germline): Uncertain significance (1 of 4 stars; one submission).

Conditions:
Hereditary cancer-predisposing syndrome. Also called: Neoplastic Syndromes, Hereditary; Tumor predisposition; Hereditary neoplastic syndrome; Hereditary Cancer Syndrome. Identifiers: Orphanet 140162, MedGen C0027672, MeSH D009386, MONDO:0015356.
Cardiovascular phenotype. Identifiers: MedGen CN230736.

Allele frequency attached by ClinVar (database versions not stated): gnomAD exomes below 0.00001.
gnomAD v4.1: 1 of 1,610,456 alleles (0.000062%); highest among the groups gnomAD compares: Non-Finnish European, 0.000085%; no homozygotes.

Submission:

Ambry Genetics
Classification: Uncertain significance for Cardiovascular phenotype; Hereditary cancer-predisposing syndrome. Last evaluated: 2023-03-27. Review status: criteria provided, single submitter. Criteria: Ambry Variant Classification Scheme 2023. Collection method: clinical testing. Allele origin: germline.
Comment: The c.1845+3A>G intronic variant results from an A to G substitution 3 nucleotides after coding exon 16 in the NF1 gene. This nucleotide position is highly conserved in available vertebrate species. In silico splice site analysis for this alteration is inconclusive. Since supporting evidence is limited at this time, the clinical significance of this alteration remains unclear.

NM_001042492.3(NF1):c.1845+3A>G

Gene: NF1 (neurofibromin 1; plus strand). Cytogenetic location: 17q11.2.
Variant type: single nucleotide variant.
Coding change: c.1845+3A>G on transcript NM_001042492.3 (MANE Select); 3 bases into the intron after coding-DNA position 1845, A replaced by G.
Molecular consequence: intron variant.
Genome position (GRCh38, 1-based): chr17:31,223,570, A>G. VCF-style: chr17-31223570-A-G. GRCh37 (hg19) VCF-style: chr17-29550588-A-G.
Other names: c.1845+3A>G (NM_000267.4).
Identifiers: ClinVar variation 3238448 (VCV003238448.1), dbSNP rs2066964401.